The following is an entry in ClinVar:

ClinVar aggregate classification (germline): Uncertain significance (1 of 4 stars; one submission).

gnomAD v4.1: 1 of 1,211,325 alleles (0.000083%); highest among the groups gnomAD compares: African/African-American, 0.0017%; no homozygotes.

Submission:

GeneDx
Classification: Uncertain significance. Last evaluated: 2022-07-18. Review status: criteria provided, single submitter. Criteria: GeneDx Variant Classification Process June 2021. Collection method: clinical testing. Allele origin: germline. Affected: yes.
Comment: Not observed at significant frequency in large population cohorts (gnomAD); In silico analysis supports that this missense variant has a deleterious effect on protein structure/function; Has not been previously published as pathogenic or benign to our knowledge

NM_001323289.2(CDKL5):c.2518C>T (p.Arg840Cys)

Gene: CDKL5 (cyclin dependent kinase like 5; plus strand). Cytogenetic location: Xp22.13.
Variant type: single nucleotide variant.
Coding change: c.2518C>T on transcript NM_001323289.2 (MANE Select); coding-DNA position 2518, C replaced by T.
Protein change: p.Arg840Cys; replaces arginine 840 with cysteine.
Molecular consequence: missense variant.
Genome position (GRCh38, 1-based): chrX:18,628,392, C>T. VCF-style: chrX-18628392-C-T. GRCh37 (hg19) VCF-style: chrX-18646512-C-T.
Other names: c.2518C>T, p.Arg840Cys (NM_001037343.2, NM_003159.3); short protein forms R840C.
Identifiers: ClinVar variation 2136134 (VCV002136134.1), dbSNP rs2518898571, ClinGen allele CA412366997.